The following is an entry in ClinVar:

NM_006721.4(ADK):c.225C>T (p.Val75=)

Gene: ADK (adenosine kinase; plus strand). Cytogenetic location: 10q22.2.
Variant type: single nucleotide variant.
Coding change: c.225C>T on transcript NM_006721.4 (MANE Select); coding-DNA position 225, C replaced by T.
Protein change: p.Val75=; no amino-acid change (valine 75 retained).
Molecular consequence: synonymous variant.
Genome position (GRCh38, 1-based): chr10:74,314,697, C>T. VCF-style: chr10-74314697-C-T. GRCh37 (hg19) VCF-style: chr10-76074455-C-T.
Other names: c.174C>T, p.Val58= (NM_001123.4, NM_001369124.1); c.120C>T, p.Val40= (NM_001202449.2); c.225C>T, p.Val75= (NM_001202450.2, NM_001369123.1); c.225C>T (NM_006721.3).
Identifiers: ClinVar variation 4748792 (VCV004748792.2).
Genomic context (GRCh38, chr10:74,314,697, plus strand): 5'-TTACTTTTTTCTACTGTGATTTCCTTATAGGTTTGATGAACTTGTGAAAAAATTCAAAGT[C>T]GAATATCATGCTGGTGGCTCTACCCAGAATTCAATTAAAGTGGCTCAGGTTGGTTAATTA-3'
Protein context (NP_006712.2, residues 65-85): LFDELVKKFK[Val75=]EYHAGGSTQN

ClinVar aggregate classification (germline): Likely benign. Review status: criteria provided, multiple submitters, no conflicts (2 of 4 stars). 2 submissions from 2 submitters: Likely benign (2). Last evaluated 2026-03-12.

Conditions:
ADK-related disorder. Also called: ADK-related condition.

gnomAD v4.1: 30 of 1,612,784 alleles (0.0019%); highest among the groups gnomAD compares: Non-Finnish European, 0.0024%; no homozygotes.

Submissions (2):

PreventionGenetics, part of Exact Sciences
Classification: Likely benign for ADK-related condition. Last evaluated: 2026-03-12. Review status: criteria provided, single submitter. Criteria: ACMG Guidelines, 2015. Collection method: clinical testing. Allele origin: germline.
Comment: This variant is classified as likely benign based on ACMG/AMP sequence variant interpretation guidelines (Richards et al. 2015 PMID: 25741868, with internal and published modifications).

Labcorp Genetics (formerly Invitae), Labcorp
Classification: Likely benign. Last evaluated: 2025-03-18. Review status: criteria provided, single submitter. Criteria: Invitae Variant Classification Sherloc (09022015). Collection method: clinical testing. Allele origin: germline.